The following is an entry in ClinVar:

NM_001482.3(GATM):c.506G>A (p.Arg169Gln)

Gene: GATM (glycine amidinotransferase; minus strand). Cytogenetic location: 15q21.1.
Variant type: single nucleotide variant.
Coding change: c.506G>A on transcript NM_001482.3 (MANE Select); coding-DNA position 506, G replaced by A.
Protein change: p.Arg169Gln; replaces arginine 169 with glutamine.
Molecular consequence: missense variant.
Genome position (GRCh38, 1-based): chr15:45,368,239, C>T on the plus strand (G>A on the coding strand, the complement: GATM is on the minus strand). VCF-style: chr15-45368239-C-T. GRCh37 (hg19) VCF-style: chr15-45660437-C-T.
Other names: c.119G>A, p.Arg40Gln (NM_001321015.2); c.506G>A (NM_001482.2); short protein forms R40Q, R169Q.
Identifiers: ClinVar variation 2055085 (VCV002055085.5), dbSNP rs1210723596, ClinGen allele CA392261383.

ClinVar aggregate classification (germline): Uncertain significance. Review status: criteria provided, multiple submitters, no conflicts (2 of 4 stars). 2 submissions from 2 submitters: Uncertain significance (2). Last evaluated 2026-05-23.

Conditions:
Inborn genetic diseases. Identifiers: MedGen C0950123, MeSH D030342.
Arginine:glycine amidinotransferase deficiency (CCDS3). Also called: AGAT deficiency; Creatine deficiency syndrome due to AGAT deficiency; GATM deficiency; Cerebral creatine deficiency syndrome 3; L-Arginine:Glycine Amidinotransferase Deficiency; L-Arginine:Glycine Amidinotransferase (AGAT) Deficiency. Identifiers: Orphanet 35704, MedGen C2675179, MONDO:0012996, OMIM 612718.

Allele frequency attached by ClinVar (database versions not stated): gnomAD exomes below 0.00001.
gnomAD v4.1: 2 of 1,613,880 alleles (0.00012%); highest among the groups gnomAD compares: Non-Finnish European, 0.00017%; no homozygotes.

Submissions (2):

Ambry Genetics
Classification: Uncertain significance for Inborn genetic diseases. Last evaluated: 2026-05-23. Review status: criteria provided, single submitter. Criteria: Ambry Variant Classification Scheme 2023. Collection method: clinical testing. Allele origin: germline.

Labcorp Genetics (formerly Invitae), Labcorp
Classification: Uncertain significance for Arginine:glycine amidinotransferase deficiency. Last evaluated: 2025-04-07. Review status: criteria provided, single submitter. Criteria: Invitae Variant Classification Sherloc (09022015). Collection method: clinical testing. Allele origin: germline.
Comment: This sequence change replaces arginine, which is basic and polar, with glutamine, which is neutral and polar, at codon 169 of the GATM protein (p.Arg169Gln). This variant is not present in population databases (gnomAD no frequency). This variant has not been reported in the literature in individuals affected with GATM-related conditions. ClinVar contains an entry for this variant (Variation ID: 2055085). Invitae Evidence Modeling of protein sequence and biophysical properties (such as structural, functional, and spatial information, amino acid conservation, physicochemical variation, residue mobility, and thermodynamic stability) indicates that this missense variant is expected to disrupt GATM protein function with a positive predictive value of 95%. In summary, the available evidence is currently insufficient to determine the role of this variant in disease. Therefore, it has been classified as a Variant of Uncertain Significance.